The following is an entry in ClinVar:

NM_000368.5(TSC1):c.*2354A>G

Gene: TSC1 (TSC complex subunit 1; minus strand). Cytogenetic location: 9q34.13.
Variant type: single nucleotide variant.
Coding change: c.*2354A>G on transcript NM_000368.5 (MANE Select); 2354 bases downstream of the stop codon, A replaced by G.
Molecular consequence: 3 prime UTR variant.
Genome position (GRCh38, 1-based): chr9:132,893,881, T>C on the plus strand (A>G on the coding strand, the complement: TSC1 is on the minus strand). VCF-style: chr9-132893881-T-C. GRCh37 (hg19) VCF-style: chr9-135769268-T-C.
Other names: c.*2354A>G (NM_001162426.2, NM_001162427.2, NM_001362177.2).
Identifiers: ClinVar variation 912899 (VCV000912899.4), dbSNP rs114877981, ClinGen allele CA200923936.

ClinVar aggregate classification (germline): Benign. Review status: criteria provided, single submitter (1 of 4 stars). 2 submissions from 1 submitter: Benign (2). Last evaluated 2018-01-13.

Conditions:
Isolated focal cortical dysplasia type II (FCORD2). Also called: CORTICAL DYSPLASIA OF TAYLOR; Focal cortical dysplasia type II. Identifiers: Orphanet 268994, MedGen C1846385, MONDO:0011818, OMIM 607341, HP:0032051.
Tuberous sclerosis 1 (TSC1). Identifiers: Orphanet 805, MedGen C1854465, MONDO:0008612, OMIM 191100.

Allele frequency attached by ClinVar (database versions not stated): gnomAD exomes 0.00073; gnomAD 0.00221 and 0.00232; 1000 Genomes Project 0.00240; 1000 Genomes Project 30x 0.00234; TOPMed 0.00234.
gnomAD v4.1: 390 of 233,338 alleles (0.17%); highest among the groups gnomAD compares: African/African-American, 0.75%; 3 homozygotes.

Submissions (2):

Illumina Laboratory Services, Illumina
Classification: Benign for Isolated focal cortical dysplasia type II. Last evaluated: 2018-01-13. Review status: criteria provided, single submitter. Criteria: ICSL Variant Classification Criteria 13 December 2019. Collection method: clinical testing. Allele origin: germline.
Comment: This variant was observed in the ICSL laboratory as part of a predisposition screen in an ostensibly healthy population. It had not been previously curated by ICSL or reported in the Human Gene Mutation Database (HGMD: prior to June 1st, 2018), and was therefore a candidate for classification through an automated scoring system. Utilizing variant allele frequency, disease prevalence and penetrance estimates, and inheritance mode, an automated score was calculated to assess if this variant is too frequent to cause the disease. Based on the score and internal cut-off values, a variant classified as benign is not then subjected to further curation. The score for this variant resulted in a classification of benign for this disease.

Illumina Laboratory Services, Illumina
Classification: Benign for Tuberous sclerosis 1. Last evaluated: 2018-01-13. Review status: criteria provided, single submitter. Criteria: ICSL Variant Classification Criteria 13 December 2019. Collection method: clinical testing. Allele origin: germline.
Comment: the same text as in the submission from Illumina Laboratory Services, Illumina above.